The following is an entry in ClinVar:

NM_018896.5(CACNA1G):c.3222G>A (p.Ser1074=)

Gene: CACNA1G (calcium voltage-gated channel subunit alpha1 G; plus strand). Cytogenetic location: 17q21.33.
Variant type: single nucleotide variant.
Coding change: c.3222G>A on transcript NM_018896.5 (MANE Select); coding-DNA position 3222, G replaced by A.
Protein change: p.Ser1074=; no amino-acid change (serine 1074 retained).
Molecular consequence: synonymous variant. On other transcripts: non-coding transcript variant (5).
Genome position (GRCh38, 1-based): chr17:50,596,887, G>A. VCF-style: chr17-50596887-G-A. GRCh37 (hg19) VCF-style: chr17-48674248-G-A.
Other names: c.3222G>A, p.Ser1074= (NM_001256324.2, NM_001256325.2, NM_001256326.2 and 16 more transcripts); c.3153G>A, p.Ser1051= (NM_001256332.2, NM_198376.3, NM_198379.3 and 5 more transcripts).
Identifiers: ClinVar variation 518110 (VCV000518110.1), dbSNP rs1319925216, ClinGen allele CA500872790.

ClinVar aggregate classification (germline): Likely benign (1 of 4 stars; one submission).

Allele frequency attached by ClinVar (database versions not stated): gnomAD exomes below 0.00001; gnomAD 0.00001; TOPMed 0.00001.
gnomAD v4.1: 2 of 1,583,272 alleles (0.00013%); highest among the groups gnomAD compares: Non-Finnish European, 0.00017%; no homozygotes.

Submission:

GeneDx
Classification: Likely benign. Last evaluated: 2017-06-22. Review status: criteria provided, single submitter. Criteria: GeneDx Variant Classification (06012015). Collection method: clinical testing. Allele origin: germline. Affected: yes.
Comment: This variant is considered likely benign or benign based on one or more of the following criteria: it is a conservative change, it occurs at a poorly conserved position in the protein, it is predicted to be benign by multiple in silico algorithms, and/or has population frequency not consistent with disease.